The following is an entry in ClinVar:

NM_001370658.1(BTD):c.1193G>C (p.Cys398Ser)

Gene: BTD (biotinidase; plus strand). Cytogenetic location: 3p25.1.
Variant type: single nucleotide variant.
Coding change: c.1193G>C on transcript NM_001370658.1 (MANE Select); coding-DNA position 1193, G replaced by C.
Protein change: p.Cys398Ser; replaces cysteine 398 with serine.
Molecular consequence: missense variant. On other transcripts: intron variant (2).
Genome position (GRCh38, 1-based): chr3:15,645,109, G>C. VCF-style: chr3-15645109-G-C. GRCh37 (hg19) VCF-style: chr3-15686616-G-C.
Other names: c.1253G>C, p.Cys418Ser (NM_000060.4); c.1193G>C, p.Cys398Ser (NM_001281723.4, NM_001281724.3, NM_001281725.3 and 16 more transcripts); c.1015+178G>C (NM_001370752.1); c.399+3052G>C (NM_001370753.1); short protein forms C398S.
Identifiers: ClinVar variation 25071 (VCV000025071.20), dbSNP rs397514410, ClinGen allele CA278309.

ClinVar aggregate classification (germline): Pathogenic/Likely pathogenic. Review status: criteria provided, multiple submitters, no conflicts (2 of 4 stars). 6 submissions from 6 submitters: Pathogenic (3); Likely pathogenic (3). Last evaluated 2025-12-03.

Conditions:
BTD-related disorder. Also called: BTD-related condition.
Biotinidase deficiency. Also called: BTD deficiency; Late-onset biotin-responsive multiple carboxylase deficiency; Biotin deficiency. Identifiers: Orphanet 79241, MedGen C0220754, MONDO:0009665, OMIM 253260.

Allele frequency attached by ClinVar (database versions not stated): TOPMed below 0.00001; gnomAD exomes 0.00001; ExAC 0.00002.
gnomAD v4.1: 5 of 1,614,188 alleles (0.00031%); highest among the groups gnomAD compares: South Asian, 0.0011%; no homozygotes.

Submissions (6):

Natera, Inc.
Classification: Likely pathogenic for Biotinidase deficiency. Last evaluated: 2025-12-03. Review status: criteria provided, single submitter. Criteria: Natera Variant Classification Schema (03/2026). Collection method: clinical testing. Allele origin: germline.
Comment: The c.1193G>C variant in BTD is a missense variant predicted to cause substitution of cysteine to serine at amino acid 398. This variant is rare in the general population with a frequency below the threshold expected for the associated phenotype(s). This variant has been observed in one or more individuals affected with the associated recessive disease, as either homozygous or compound heterozygous with a second variant (PMID: 17185019, 34448386, 35627187, 38141137, 40700042). Computational prediction algorithms indicate this variant is likely to affect gene or protein function. Given the available evidence, this variant is classified as Likely Pathogenic.

Genomic Medicine Center of Excellence, King Faisal Specialist Hospital and Research Centre
Classification: Pathogenic for Biotinidase deficiency. Last evaluated: 2024-12-18. Review status: criteria provided, single submitter. Criteria: ACMG Guidelines, 2015. Collection method: clinical testing. Allele origin: germline.

Labcorp Genetics (formerly Invitae), Labcorp
Classification: Pathogenic for Biotinidase deficiency. Last evaluated: 2024-02-29. Review status: criteria provided, single submitter. Criteria: Invitae Variant Classification Sherloc (09022015). Collection method: clinical testing. Allele origin: germline.
Comment: This sequence change replaces cysteine, which is neutral and slightly polar, with serine, which is neutral and polar, at codon 418 of the BTD protein (p.Cys418Ser). This variant is present in population databases (rs397514410, gnomAD 0.003%). This missense change has been observed in individual(s) with biotinidase deficiency (PMID: 14707518). In at least one individual the data is consistent with being in trans (on the opposite chromosome) from a pathogenic variant. ClinVar contains an entry for this variant (Variation ID: 25071). Advanced modeling of protein sequence and biophysical properties (such as structural, functional, and spatial information, amino acid conservation, physicochemical variation, residue mobility, and thermodynamic stability) performed at Invitae indicates that this missense variant is expected to disrupt BTD protein function with a positive predictive value of 95%. This variant disrupts the p.Cys418 amino acid residue in BTD. Other variant(s) that disrupt this residue have been determined to be pathogenic (PMID: 26810761, 27329734). This suggests that this residue is clinically significant, and that variants that disrupt this residue are likely to be disease-causing. For these reasons, this variant has been classified as Pathogenic.

Baylor Genetics
Classification: Likely pathogenic for Biotinidase deficiency. Last evaluated: 2023-12-07. Review status: criteria provided, single submitter. Criteria: ACMG Guidelines, 2015. Collection method: clinical testing. Allele origin: unknown.

Women's Health and Genetics/Laboratory Corporation of America, LabCorp
Classification: Pathogenic for Biotinidase deficiency. Last evaluated: 2023-07-28. Review status: criteria provided, single submitter. Criteria: LabCorp Variant Classification Summary - May 2015. Collection method: clinical testing. Allele origin: germline.
Comment: Variant summary: BTD c.1193G>C (p.Cys398Ser) results in a non-conservative amino acid change located in the C-terminal domain (IPR043957) of the encoded protein sequence. Five of five in-silico tools predict a damaging effect of the variant on protein function. The variant allele was found at a frequency of 8e-06 in 251336 control chromosomes (i.e., 2 heterozygotes; gnomAD v2.1 Exomes dataset). The available data on variant occurrences in the general population are insufficient to allow any conclusion about variant significance. c.1193G>C has been reported in the literature in multiple compound heterozygous and homozygous individuals affected with Biotinidase Deficiency (BD), and many of these individuals had partial BD (e.g., Laszlo_2003, Milankovics_2007, SekerYilmaz_2018, Jezela-Stanek_2022). These data indicate that the variant is very likely to be associated with disease. The following publications have been ascertained in the context of this evaluation (PMID: 35627187, 14707518, 17185019, 29353266). Two submitters have reported clinical-significance assessments for this variant to ClinVar after 2014. All submitters classified the variant as pathogenic/likely pathogenic. Based on the evidence outlined above, the variant was classified as pathogenic.

Blueprint Genetics
Classification: Likely pathogenic for BTD-related disorders. Last evaluated: 2020-03-04. Review status: criteria provided, single submitter. Criteria: ACMG Guidelines, 2015. Collection method: clinical testing. Allele origin: germline. Affected: yes. Observed: 2 variant alleles.

Literature cited by the submitters: PubMed 17185019 (cited by Natera, Inc. and Women's Health and Genetics/Laboratory Corporation of America, LabCorp); PubMed 34448386 (cited by Natera, Inc.); PubMed 35627187 (cited by Natera, Inc. and Women's Health and Genetics/Laboratory Corporation of America, LabCorp); PubMed 38141137 (cited by Natera, Inc.); PubMed 40700042 (cited by Natera, Inc.); PubMed 14707518 (cited by Labcorp Genetics (formerly Invitae), Labcorp and Women's Health and Genetics/Laboratory Corporation of America, LabCorp); PubMed 26810761 (cited by Labcorp Genetics (formerly Invitae), Labcorp); PubMed 27329734 (cited by Labcorp Genetics (formerly Invitae), Labcorp); PubMed 29353266 (cited by Women's Health and Genetics/Laboratory Corporation of America, LabCorp).